The following is an entry in ClinVar:

NM_000059.4(BRCA2):c.8469_8475del (p.Gln2823fs)

Gene: BRCA2 (BRCA2 DNA repair associated; plus strand). Cytogenetic location: 13q13.1.
Variant type: Deletion.
Coding change: c.8469_8475del on transcript NM_000059.4 (MANE Select); coding-DNA positions 8469 to 8475, 7 bases deleted (AAGAGCA; older notation c.8469_8475delAAGAGCA).
Protein change: p.Gln2823fs; shifts the reading frame from glutamine 2823.
Molecular consequence: frameshift variant.
Genome position (GRCh38, 1-based): chr13:32,370,539-32,370,545, AAGAGCA deleted; deleting any 7 consecutive bases within chr13:32,370,537-32,370,545 gives the same sequence; the c. name uses the placement nearest the transcript's 3' end. VCF-style (leftmost placement, unchanged base first): chr13-32370536-TCAAAGAG-T. GRCh37 (hg19) VCF-style: chr13-32944673-TCAAAGAG-T.
Other names: short protein forms Q2823fs.
Identifiers: ClinVar variation 1050270 (VCV001050270.1), dbSNP rs2137597915, ClinGen allele CA2499222333.

ClinVar aggregate classification (germline): Pathogenic (0 of 4 stars; one submission).

Submission:

Department of Pathology and Laboratory Medicine, Sinai Health System
Classification: Pathogenic. Review status: no assertion criteria provided. Collection method: clinical testing. Allele origin: unknown. Affected: yes. Study: The Canadian Open Genetics Repository (COGR).
Comment: The BRCA2 p.Gln2823Hisfs*38 variant was not identified in the literature nor was it identified in the dbSNP, ClinVar, LOVD 3.0, or UMD-LSDB databases. The variant was not identified in the following control databases: the Exome Aggregation Consortium (August 8th 2016) or the Genome Aggregation Database (Feb 27, 2017). The c.8469_8475del variant is predicted to cause a frameshift, which alters the protein's amino acid sequence beginning at codon 2823 and leads to a premature stop codon at position 2860. This alteration is then predicted to result in a truncated or absent protein and loss of function. Loss of function variants of the BRCA2 gene are an established mechanism of disease in hereditary breast and ovarian cancer (HBOC) and is the type of variant expected to cause the disorder. In summary, based on the above information, this variant meets our laboratoryâ€šÃ„Ã´s criteria to be classified as pathogenic.